The following is an entry in ClinVar:

ClinVar aggregate classification (germline): Likely benign. Review status: criteria provided, multiple submitters, no conflicts (2 of 4 stars). 4 submissions from 4 submitters: Likely benign (3). 1 of the submissions does not count toward it. Last evaluated 2025-11-05.

Conditions:
Hereditary cancer-predisposing syndrome. Also called: Tumor predisposition; Hereditary neoplastic syndrome; Neoplastic Syndromes, Hereditary; Hereditary Cancer Syndrome. Identifiers: Orphanet 140162, MedGen C0027672, MeSH D009386, MONDO:0015356.
CHEK2-related disorder.
Familial cancer of breast. Also called: Hereditary breast cancer; hereditary breast carcinoma; BREAST CANCER, FAMILIAL. Identifiers: Orphanet 227535, MedGen C0346153, MONDO:0016419, OMIM 114480. Disease mechanism: loss of function.

Submissions (4):

Labcorp Genetics (formerly Invitae), Labcorp
Classification: Likely benign for Familial cancer of breast. Last evaluated: 2025-11-05. Review status: criteria provided, single submitter. Criteria: Invitae Variant Classification Sherloc (09022015). Collection method: clinical testing. Allele origin: germline.

Blueprint Genetics
Classification: Likely benign. Last evaluated: 2024-11-25. Review status: criteria provided, single submitter. Criteria: ACMG Guidelines, 2015. Collection method: clinical testing. Allele origin: germline.

Ambry Genetics
Classification: Likely benign for Hereditary cancer-predisposing syndrome. Last evaluated: 2021-02-18. Review status: criteria provided, single submitter. Criteria: Ambry Variant Classification Scheme 2023. Collection method: clinical testing. Allele origin: germline.

PreventionGenetics, part of Exact Sciences
Classification: Likely benign for CHEK2-related condition. Last evaluated: 2020-06-05. Review status: no assertion criteria provided. Collection method: clinical testing. Allele origin: germline. Not counted in ClinVar's aggregate classification.
Comment: This variant is classified as likely benign based on ACMG/AMP sequence variant interpretation guidelines (Richards et al. 2015 PMID: 25741868, with internal and published modifications).

NM_007194.4(CHEK2):c.1032A>C (p.Ile344=)

Gene: CHEK2 (checkpoint kinase 2; minus strand). Cytogenetic location: 22q12.1.
Variant type: single nucleotide variant.
Coding change: c.1032A>C on transcript NM_007194.4 (MANE Select); coding-DNA position 1032, A replaced by C.
Protein change: p.Ile344=; no amino-acid change (isoleucine 344 retained).
Molecular consequence: synonymous variant. On other transcripts: intron variant (3).
Genome position (GRCh38, 1-based): chr22:28,696,964, T>G on the plus strand (A>C on the coding strand, the complement: CHEK2 is on the minus strand). VCF-style: chr22-28696964-T-G. GRCh37 (hg19) VCF-style: chr22-29092952-T-G.
Other names: c.1161A>C, p.Ile387= (NM_001005735.3); c.369A>C, p.Ile123= (NM_001257387.3, NM_001437942.1); c.831A>C, p.Ile277= (NM_001349956.3); c.1125A>C, p.Ile375= (NM_001438293.1); c.1009-1091A>C (NM_145862.3); c.1102-1091A>C (NM_001438295.1); c.1138-1091A>C (NM_001438294.1).
Identifiers: ClinVar variation 752217 (VCV000752217.16), dbSNP rs202051128, ClinGen allele CA513944993.